The following is an entry in ClinVar:

NM_182961.4(SYNE1):c.25402C>T (p.Arg8468Cys)

Gene: SYNE1 (spectrin repeat containing nuclear envelope protein 1; minus strand). Cytogenetic location: 6q25.2.
Variant type: single nucleotide variant.
Coding change: c.25402C>T on transcript NM_182961.4 (MANE Select); coding-DNA position 25402, C replaced by T.
Protein change: p.Arg8468Cys; replaces arginine 8468 with cysteine.
Molecular consequence: missense variant.
Genome position (GRCh38, 1-based): chr6:152,140,006, G>A on the plus strand (C>T on the coding strand, the complement: SYNE1 is on the minus strand). VCF-style: chr6-152140006-G-A. GRCh37 (hg19) VCF-style: chr6-152461141-G-A.
Other names: c.2008C>T, p.Arg670Cys (NM_001347701.2); c.1936C>T, p.Arg646Cys (NM_001347702.2); c.25258C>T, p.Arg8420Cys (NM_033071.5); short protein forms R646C, R670C, R8420C, R8468C.
Identifiers: ClinVar variation 4086770 (VCV004086770.1).

ClinVar aggregate classification (germline): Uncertain significance (1 of 4 stars; one submission).

gnomAD v4.1: 6 of 1,614,002 alleles (0.00037%); highest among the groups gnomAD compares: East Asian, 0.0045%; no homozygotes.

Submission:

GeneDx
Classification: Uncertain significance. Last evaluated: 2025-03-20. Review status: criteria provided, single submitter. Criteria: GeneDx Variant Classification Process June 2021. Collection method: clinical testing. Allele origin: germline. Affected: yes.
Comment: Not observed at significant frequency in large population cohorts (gnomAD); In silico analysis supports that this missense variant has a deleterious effect on protein structure/function; Has not been previously published as pathogenic or benign to our knowledge